The following is an entry in ClinVar:

NM_201384.3(PLEC):c.11544C>T (p.Asp3848=)

Gene: PLEC (plectin; minus strand). Cytogenetic location: 8q24.3.
Variant type: single nucleotide variant.
Coding change: c.11544C>T on transcript NM_201384.3 (MANE Select); coding-DNA position 11544, C replaced by T.
Protein change: p.Asp3848=; no amino-acid change (aspartic acid 3848 retained).
Molecular consequence: synonymous variant.
Genome position (GRCh38, 1-based): chr8:143,918,277, G>A on the plus strand (C>T on the coding strand, the complement: PLEC is on the minus strand). VCF-style: chr8-143918277-G-A. GRCh37 (hg19) VCF-style: chr8-144992445-G-A.
Other names: c.11625C>T, p.Asp3875= (NM_000445.5); c.11502C>T, p.Asp3834= (NM_201378.4); c.11478C>T, p.Asp3826= (NM_201379.3); c.11955C>T, p.Asp3985= (NM_201380.4); c.11448C>T, p.Asp3816= (NM_201381.3); c.11544C>T, p.Asp3848= (NM_201382.4); c.11556C>T, p.Asp3852= (NM_201383.3).
Identifiers: ClinVar variation 539049 (VCV000539049.14), dbSNP rs782496485, ClinGen allele CA4924322.

ClinVar aggregate classification (germline): Likely benign. Review status: criteria provided, multiple submitters, no conflicts (2 of 4 stars). 3 submissions from 3 submitters: Likely benign (3). Last evaluated 2026-08-13.

Conditions:
PLEC-related disorder. Also called: PLEC-related disorders; PLEC-related condition.
Epidermolysis bullosa simplex, Ogna type (EBS5A). Also called: Pidermolysis bullosa simplex 5A, Ogna type; EPIDERMOLYSIS BULLOSA SIMPLEX 5A, OGNA TYPE. Identifiers: Orphanet 79401, MedGen C0432317, MONDO:0007555, OMIM 131950.
Epidermolysis bullosa simplex 5B, with muscular dystrophy (EBS5B). Also called: Epidermolysis bullosa simplex with muscular dystrophy; EPIDERMOLYSIS BULLOSA SIMPLEX AND LIMB-GIRDLE MUSCULAR DYSTROPHY. Identifiers: Orphanet 257, MedGen C2931072, MONDO:0009181, OMIM 226670.
Epidermolysis bullosa simplex with nail dystrophy (EBS5D). Identifiers: MedGen C4225309, MONDO:0014661, OMIM 616487.
Autosomal recessive limb-girdle muscular dystrophy type 2Q (LGMDR17). Also called: MUSCULAR DYSTROPHY, LIMB-GIRDLE, AUTOSOMAL RECESSIVE 17. Identifiers: Orphanet 254361, MedGen C3150989, MONDO:0013390, OMIM 613723.
Epidermolysis bullosa simplex 5C, with pyloric atresia (EBS5C). Also called: PLEC-Related Epidermolysis Bullosa with Pyloric Atresia; Epidermolysis bullosa simplex with pyloric atresia; PLEC1-Related Epidermolysis Bullosa with Pyloric Atresia. Identifiers: Orphanet 158684, MedGen C2677349, MONDO:0012807, OMIM 612138.

Allele frequency attached by ClinVar (database versions not stated): TOPMed 0.00003; gnomAD 0.00005; gnomAD exomes 0.00015; ExAC 0.00017.
gnomAD v4.1: 45 of 1,593,174 alleles (0.0028%); highest among the groups gnomAD compares: Admixed American, 0.072%; 1 homozygote.

Submissions (3):

PreventionGenetics, part of Exact Sciences
Classification: Likely benign for PLEC-related condition. Last evaluated: 2026-08-13. Review status: criteria provided, single submitter. Criteria: ACMG Guidelines, 2015. Collection method: clinical testing. Allele origin: germline.
Comment: This variant is classified as likely benign based on ACMG/AMP sequence variant interpretation guidelines (Richards et al. 2015 PMID: 25741868, with internal and published modifications).

Labcorp Genetics (formerly Invitae), Labcorp
Classification: Likely benign for Autosomal recessive limb-girdle muscular dystrophy type 2Q; Epidermolysis bullosa simplex, Ogna type; Epidermolysis bullosa simplex with nail dystrophy; Epidermolysis bullosa simplex 5C, with pyloric atresia; Epidermolysis bullosa simplex 5B, with muscular dystrophy. Last evaluated: 2025-10-18. Review status: criteria provided, single submitter. Criteria: Invitae Variant Classification Sherloc (09022015). Collection method: clinical testing. Allele origin: germline.

GeneDx
Classification: Likely benign. Last evaluated: 2020-12-10. Review status: criteria provided, single submitter. Criteria: GeneDx Variant Classification Process June 2021. Collection method: clinical testing. Allele origin: germline. Affected: yes.